The following continues an entry in ClinVar:

NM_007294.4(BRCA1):c.66dup (p.Glu23fs)

Gene: BRCA1. ClinVar aggregate classification (germline): Pathogenic. Pathogenic (1).

Submissions 27 to 45 of 45:

Eurofins Ntd Llc (ga)
Classification: Pathogenic. Last evaluated: 2014-09-05. Review status: criteria provided, single submitter. Criteria: EGL Classification Definitions. Collection method: clinical testing. Allele origin: germline. Observed: 1 variant allele, 1 heterozygote. Not counted in ClinVar's aggregate classification.

Genesis Genomics
Classification: Pathogenic for Breast-ovarian cancer, familial, susceptibility to, 1. Review status: criteria provided, single submitter. Criteria: ACMG Guidelines, 2015. Collection method: clinical testing. Allele origin: germline. Affected: yes. Observed: 3 variant alleles. Clinical features observed: Breast cancer. Not counted in ClinVar's aggregate classification.

Molecular Endocrinology Laboratory, Christian Medical College
Classification: Pathogenic for Breast-ovarian cancer, familial, susceptibility to, 1. Review status: criteria provided, single submitter. Criteria: ACMG Guidelines, 2015. Collection method: clinical testing. Allele origin: germline. Affected: yes. Not counted in ClinVar's aggregate classification.

PreventionGenetics, part of Exact Sciences
Classification: Pathogenic for BRCA1-related condition. Last evaluated: 2024-08-05. Review status: no assertion criteria provided. Collection method: clinical testing. Allele origin: germline. Not counted in ClinVar's aggregate classification.
Comment: The BRCA1 c.66dupA variant is predicted to result in a frameshift and premature protein termination (p.Glu23Argfs*18). This variant is alternatively referred to as 185insA. This variant has been reported in many individuals and families with breast and/or ovarian cancer (Matsushima et al. 1995. PubMed ID: 8595420; Couch et al. 1996. PubMed ID: 8807330; Liede et al. 2002. PubMed ID: 12181777; Rashid et al. 2006. PubMed ID: 16998791; Noël et al. 2010. PubMed ID: 20189727; PubMed ID: 24916970; Arai et al. 2017. PubMed ID: 29176636; Heramb et al. 2018. PubMed ID: 29339979; Li et al. 2018. PubMed ID: 29752822; Bhaskaran et al. 2019. PubMed ID: 30702160). This variant has not been reported in a large population database, indicating this variant is rare. In ClinVar, this variant is interpreted as pathogenic. Frameshift variants in BRCA1 are expected to be pathogenic. This variant is interpreted as pathogenic.

Medical Genetics Laboratory, Umraniye Training and Research Hospital, University of Health Sciences
Classification: Pathogenic for Breast carcinoma. Last evaluated: 2021-08-08. Review status: no assertion criteria provided. Collection method: clinical testing. Allele origin: germline. Inheritance: Autosomal dominant inheritance. Affected: yes. Observed: 1 variant allele, 1 heterozygote. Not counted in ClinVar's aggregate classification.

BRCAlab, Lund University
Classification: Pathogenic for Breast-ovarian cancer, familial, susceptibility to, 1. Last evaluated: 2020-03-02. Review status: no assertion criteria provided. Collection method: clinical testing. Allele origin: germline. Affected: yes. Not counted in ClinVar's aggregate classification.

German Consortium for Hereditary Breast and Ovarian Cancer, University Hospital Cologne
Classification: Pathogenic for Ovarian neoplasm. Last evaluated: 2018-12-01. Review status: no assertion criteria provided. Collection method: research. Allele origin: germline. Affected: yes. Not counted in ClinVar's aggregate classification.

Bioscientia Institut fuer Medizinische Diagnostik GmbH, Sonic Healthcare
Classification: Pathogenic for Familial cancer of breast. Last evaluated: 2018-11-16. Review status: no assertion criteria provided. Collection method: clinical testing. Allele origin: germline. Affected: yes. Not counted in ClinVar's aggregate classification.

Counsyl
Classification: Pathogenic for Breast-ovarian cancer, familial, susceptibility to, 1. Last evaluated: 2016-07-26. Review status: no assertion criteria provided. Collection method: clinical testing. Allele origin: unknown. Not counted in ClinVar's aggregate classification.

Research Molecular Genetics Laboratory, Women's College Hospital, University of Toronto
Classification: Pathogenic for Hereditary breast ovarian cancer syndrome. Last evaluated: 2014-01-31. Review status: no assertion criteria provided. Collection method: research. Allele origin: germline. Affected: yes. Study: The Canadian Open Genetics Repository (COGR). Not counted in ClinVar's aggregate classification.

Sharing Clinical Reports Project (SCRP)
Classification: Pathogenic for Breast-ovarian cancer, familial 1. Last evaluated: 2013-07-17. Review status: no assertion criteria provided. Collection method: clinical testing. Allele origin: germline. Not counted in ClinVar's aggregate classification.

Breast Cancer Information Core (BIC) (BRCA1)
Classification: Pathogenic for Breast-ovarian cancer, familial 1. Last evaluated: 2002-05-29. Review status: no assertion criteria provided. Collection method: clinical testing. Allele origin: germline. Affected: yes. Observed: 32 variant alleles. Not counted in ClinVar's aggregate classification.

Center for Precision Medicine, Meizhou People's Hospital
Classification: Pathogenic for Familial cancer of breast. Review status: no assertion criteria provided. Collection method: literature only. Allele origin: germline. Affected: yes. Not counted in ClinVar's aggregate classification.

Clinical Genetics DNA and cytogenetics Diagnostics Lab, Erasmus MC, Erasmus Medical Center
Classification: Pathogenic. Review status: no assertion criteria provided. Collection method: clinical testing. Allele origin: germline. Affected: yes. Study: VKGL Data-share Consensus. Not counted in ClinVar's aggregate classification.

Clinical Genetics Laboratory, Department of Pathology, Netherlands Cancer Institute
Classification: Pathogenic. Review status: no assertion criteria provided. Collection method: clinical testing. Allele origin: germline. Affected: yes. Study: VKGL Data-share Consensus. Not counted in ClinVar's aggregate classification.

Department of Pathology and Laboratory Medicine, Sinai Health System
Classification: Uncertain significance. Review status: no assertion criteria provided. Collection method: clinical testing. Allele origin: unknown. Affected: yes. Observed: 1 variant allele. Study: The Canadian Open Genetics Repository (COGR). Not counted in ClinVar's aggregate classification.

Diagnostic Laboratory, Department of Genetics, University Medical Center Groningen
Classification: Pathogenic. Review status: no assertion criteria provided. Collection method: clinical testing. Allele origin: germline. Affected: yes. Study: VKGL Data-share Consensus. Not counted in ClinVar's aggregate classification.

Genome Diagnostics Laboratory, University Medical Center Utrecht
Classification: Pathogenic. Review status: no assertion criteria provided. Collection method: clinical testing. Allele origin: germline. Affected: yes. Study: VKGL Data-share Consensus. Not counted in ClinVar's aggregate classification.

Laboratory of Diagnostic Genome Analysis, Leiden University Medical Center (LUMC)
Classification: Pathogenic. Review status: no assertion criteria provided. Collection method: clinical testing. Allele origin: germline. Affected: yes. Study: VKGL Data-share Consensus. Not counted in ClinVar's aggregate classification.

Literature cited by the submitters: PubMed 20104584 (cited by 3 submitters); PubMed 8595420 (cited by 4 submitters); PubMed 12181777 (cited by 5 submitters); PubMed 16998791 (cited by 7 submitters); PubMed 20189727 (cited by 3 submitters); PubMed 24916970 (cited by 7 submitters); PubMed 32375709 (cited by Dasa); PubMed 21989022 (cited by Dasa); PubMed 11802209 (cited by Dasa); PubMed 32733560 (cited by 3 submitters); PubMed 10952777 (cited by 3 submitters); PubMed 11606101 (cited by 3 submitters); PubMed 16683254 (cited by 4 submitters); PubMed 18627636 (cited by 4 submitters); PubMed 20950396 (cited by 3 submitters); PubMed 21559243 (cited by 3 submitters); PubMed 25863477 (cited by 3 submitters); PubMed 27257965 (cited by 3 submitters); PubMed 28993434 (cited by 3 submitters); PubMed 29152070 (cited by All of Us Research Program, National Institutes of Health and Color Diagnostics, LLC DBA Color Health); PubMed 29176636 (cited by 4 submitters); PubMed 29339979 (cited by 5 submitters); PubMed 29433453 (cited by 3 submitters); PubMed 29470806 (cited by 3 submitters); PubMed 29907814 (cited by 3 submitters); PubMed 33471991 (cited by All of Us Research Program, National Institutes of Health and Color Diagnostics, LLC DBA Color Health); PubMed 35918668 (cited by 3 submitters); PubMed 8807330 (cited by 3 submitters); PubMed 34290354 (cited by Quest Diagnostics Nichols Institute San Juan Capistrano); PubMed 35220195 (cited by Quest Diagnostics Nichols Institute San Juan Capistrano); PubMed 31492746 (cited by Quest Diagnostics Nichols Institute San Juan Capistrano); PubMed 32341426 (cited by Quest Diagnostics Nichols Institute San Juan Capistrano); PubMed 26295337 (cited by Quest Diagnostics Nichols Institute San Juan Capistrano); PubMed 26515461 (cited by Institute for Genomic Medicine (IGM) Clinical Laboratory, Nationwide Children's Hospital); PubMed 29133208 (cited by Institute for Genomic Medicine (IGM) Clinical Laboratory, Nationwide Children's Hospital); PubMed 27553291 (cited by Sema4); PubMed 28176296 (cited by Sema4); PubMed 29446198 (cited by Sema4); DOI 10.3389/fgene.2022.834265 (cited by National Health Laboratory Service, Universitas Academic Hospital and University of the Free State); PubMed 16267036 (cited by Women's Health and Genetics/Laboratory Corporation of America, LabCorp); PubMed 11597388 (cited by Women's Health and Genetics/Laboratory Corporation of America, LabCorp).